The following is an entry in ClinVar:

ClinVar aggregate classification (germline): Uncertain significance (1 of 4 stars; one submission).

Conditions:
Hereditary cancer-predisposing syndrome. Also called: Tumor predisposition; Hereditary neoplastic syndrome; Hereditary Cancer Syndrome; Neoplastic Syndromes, Hereditary. Identifiers: Orphanet 140162, MedGen C0027672, MeSH D009386, MONDO:0015356.

Submission:

Ambry Genetics
Classification: Uncertain significance for Hereditary cancer-predisposing syndrome. Last evaluated: 2024-02-01. Review status: criteria provided, single submitter. Criteria: Ambry Variant Classification Scheme 2023. Collection method: clinical testing. Allele origin: germline.
Comment: The c.931+5T>C intronic variant results from a T to C substitution 5 nucleotides after coding exon 10 in the BAP1 gene. This nucleotide position is not well conserved in available vertebrate species. In silico splice site analysis predicts that this alteration will not have any significant effect on splicing. Based on the available evidence, the clinical significance of this alteration remains unclear.

NM_004656.4(BAP1):c.931+5T>C

Gene: BAP1 (BRCA1 associated deubiquitinase 1; minus strand). Cytogenetic location: 3p21.1.
Variant type: single nucleotide variant.
Coding change: c.931+5T>C on transcript NM_004656.4 (MANE Select); 5 bases into the intron after coding-DNA position 931, T replaced by C.
Molecular consequence: intron variant.
Genome position (GRCh38, 1-based): chr3:52,405,760, A>G on the plus strand (T>C on the coding strand, the complement: BAP1 is on the minus strand). VCF-style: chr3-52405760-A-G. GRCh37 (hg19) VCF-style: chr3-52439776-A-G.
Other names: c.877+5T>C (NM_001410772.1).
Identifiers: ClinVar variation 3224484 (VCV003224484.1), dbSNP rs2153227206, ClinGen allele CA2702820912.